The following is an entry in ClinVar:

ClinVar aggregate classification (germline): Uncertain significance (1 of 4 stars; one submission).

Conditions:
Combined immunodeficiency due to LRBA deficiency. Also called: Common variable immunodeficiency 8, with autoimmunity. Identifiers: Orphanet 445018, MedGen C3553512, MONDO:0013863, OMIM 614700.

Submission:

Labcorp Genetics (formerly Invitae), Labcorp
Classification: Uncertain significance for Combined immunodeficiency due to LRBA deficiency. Last evaluated: 2022-11-28. Review status: criteria provided, single submitter. Criteria: Invitae Variant Classification Sherloc (09022015). Collection method: clinical testing. Allele origin: germline.
Comment: This variant has not been reported in the literature in individuals affected with LRBA-related conditions. Advanced modeling of protein sequence and biophysical properties (such as structural, functional, and spatial information, amino acid conservation, physicochemical variation, residue mobility, and thermodynamic stability) has been performed at Invitae for this missense variant, however the output from this modeling did not meet the statistical confidence thresholds required to predict the impact of this variant on LRBA protein function. In summary, the available evidence is currently insufficient to determine the role of this variant in disease. Therefore, it has been classified as a Variant of Uncertain Significance. This variant is not present in population databases (gnomAD no frequency). This sequence change replaces histidine, which is basic and polar, with tyrosine, which is neutral and polar, at codon 461 of the LRBA protein (p.His461Tyr).

NM_001364905.1(LRBA):c.1381C>T (p.His461Tyr)

Gene: LRBA (LPS responsive beige-like anchor protein; minus strand). Cytogenetic location: 4q31.3.
Variant type: single nucleotide variant.
Coding change: c.1381C>T on transcript NM_001364905.1 (MANE Select); coding-DNA position 1381, C replaced by T.
Protein change: p.His461Tyr; replaces histidine 461 with tyrosine.
Molecular consequence: missense variant.
Genome position (GRCh38, 1-based): chr4:150,908,446, G>A on the plus strand (C>T on the coding strand, the complement: LRBA is on the minus strand). VCF-style: chr4-150908446-G-A. GRCh37 (hg19) VCF-style: chr4-151829598-G-A.
Other names: c.1381C>T, p.His461Tyr (NM_001199282.3, NM_001367550.1, NM_006726.5); short protein forms H461Y.
Identifiers: ClinVar variation 2075726 (VCV002075726.4), dbSNP rs2546645373, ClinGen allele CA358433384.